The following is an entry in ClinVar:

NC_000007.13:g.(?_21609667)_(21631215_?)dup

Gene: DNAH11 (dynein axonemal heavy chain 11; plus strand). Cytogenetic location: 7p15.3.
Variant type: Duplication.
Identifiers: ClinVar variation 454502 (VCV000454502.3).

ClinVar aggregate classification (germline): Likely pathogenic (1 of 4 stars; one submission).

Conditions:
Primary ciliary dyskinesia. Also called: Ciliary dyskinesia. Identifiers: Orphanet 244, MedGen C0008780, MONDO:0016575, HP:0012265.

Submission:

Labcorp Genetics (formerly Invitae), Labcorp
Classification: Likely pathogenic for Primary ciliary dyskinesia. Last evaluated: 2023-09-06. Review status: criteria provided, single submitter. Criteria: Invitae Variant Classification Sherloc (09022015). Collection method: clinical testing. Allele origin: germline.
Comment: In summary, the currently available evidence indicates that the variant is pathogenic, but additional data are needed to prove that conclusively. Therefore, this variant has been classified as Likely Pathogenic. A similar copy number variant has been observed in individual(s) with primary ciliary dyskinesia (PMID: 26139845; Invitae). This variant results in a copy number gain of the genomic region encompassing exon(s) 7-14 of the DNAH11 gene. While the exact position of this variant cannot be determined from the data, sub-genic copy number gains are generally in tandem (PMID: 25640679). This variant is predicted to be in-frame, and likely preserves the integrity of the reading frame.

Literature cited by the submitters: PubMed 26139845; PubMed 25640679.